The following is an entry in ClinVar:

NM_006904.7(PRKDC):c.1004A>C (p.Lys335Thr)

Gene: PRKDC (protein kinase, DNA-activated, catalytic subunit; minus strand). Cytogenetic location: 8q11.21.
Variant type: single nucleotide variant.
Coding change: c.1004A>C on transcript NM_006904.7 (MANE Select); coding-DNA position 1004, A replaced by C.
Protein change: p.Lys335Thr; replaces lysine 335 with threonine.
Molecular consequence: missense variant.
Genome position (GRCh38, 1-based): chr8:47,939,660, T>G on the plus strand (A>C on the coding strand, the complement: PRKDC is on the minus strand). VCF-style: chr8-47939660-T-G. GRCh37 (hg19) VCF-style: chr8-48852220-T-G.
Other names: c.1004A>C, p.Lys335Thr (NM_001081640.2); short protein forms K335T.
Identifiers: ClinVar variation 3425334 (VCV003425334.1).

ClinVar aggregate classification (germline): Uncertain significance (1 of 4 stars; one submission).

Submission:

Ambry Genetics
Classification: Uncertain significance. Last evaluated: 2024-09-12. Review status: criteria provided, single submitter. Criteria: Ambry Variant Classification Scheme 2023. Collection method: clinical testing. Allele origin: germline.
Comment: The p.K335T variant (also known as c.1004A>C), located in coding exon 11 of the PRKDC gene, results from an A to C substitution at nucleotide position 1004. The lysine at codon 335 is replaced by threonine, an amino acid with similar properties. This amino acid position is conserved. In addition, this alteration is predicted to be tolerated by in silico analysis. Based on the available evidence, the clinical significance of this variant remains unclear.